The following is an entry in ClinVar:

NM_000179.3(MSH6):c.3047C>G (p.Ala1016Gly)

Gene: MSH6 (mutS homolog 6; plus strand). Cytogenetic location: 2p16.3.
Variant type: single nucleotide variant.
Coding change: c.3047C>G on transcript NM_000179.3 (MANE Select); coding-DNA position 3047, C replaced by G.
Protein change: p.Ala1016Gly; replaces alanine 1016 with glycine.
Molecular consequence: missense variant. On other transcripts: non-coding transcript variant (5), intron variant (2).
Genome position (GRCh38, 1-based): chr2:47,801,030, C>G. VCF-style: chr2-47801030-C-G. GRCh37 (hg19) VCF-style: chr2-48028169-C-G.
Other names: c.2657C>G, p.Ala886Gly (NM_001281492.2); c.2141C>G, p.Ala714Gly (NM_001281493.2, NM_001281494.2, NM_001406811.1 and 6 more transcripts); c.3143C>G, p.Ala1048Gly (NM_001406795.1, NM_001406802.1); c.3047C>G, p.Ala1016Gly (NM_001406796.1, NM_001406798.1, NM_001406800.1 and 2 more transcripts); c.2750C>G, p.Ala917Gly (NM_001406797.1, NM_001406801.1, NM_001406805.1 and 10 more transcripts); c.2522C>G, p.Ala841Gly (NM_001406799.1, NM_001406806.1, NM_001406807.1); c.2969C>G, p.Ala990Gly (NM_001406804.1); c.3053C>G, p.Ala1018Gly (NM_001406813.1); and 4 more; short protein forms A1018G, A841G, A1016G, A1048G, A714G, A331G, A886G, A917G.
Identifiers: ClinVar variation 4985095 (VCV004985095.1).
Genomic context (GRCh38, chr2:47,801,030, plus strand): 5'-TGAAATCTACCAAGAAGGGCTGTAAACGATACTGGACCAAAACTATTGAAAAGAAGTTGG[C>G]TAATCTCATAAATGCTGAAGAACGGAGGGATGTATCATTGAAGGACTGCATGCGGCGACT-3'
Protein context (NP_000170.1, residues 1006-1026): YWTKTIEKKL[Ala1016Gly]NLINAEERRD

ClinVar aggregate classification (germline): Uncertain significance (1 of 4 stars; one submission).

Conditions:
MSH6-related disorder. Also called: MSH6-related condition; MSH6-Related disorders.

Submission:

PreventionGenetics, part of Exact Sciences
Classification: Uncertain significance for MSH6-related condition. Last evaluated: 2026-07-21. Review status: criteria provided, single submitter. Criteria: ACMG Guidelines, 2015. Collection method: clinical testing. Allele origin: germline.
Comment: The MSH6 c.3047C>G variant is predicted to result in the amino acid substitution p.Ala1016Gly. To our knowledge, this variant has not been reported in the literature or in a large population database (gnomAD), indicating this variant is rare. At the time of reporting, this variant was absent from the ClinVar database. At this time, the clinical significance of this variant is uncertain due to the absence of conclusive functional and genetic evidence.